The following is an entry in ClinVar:

ClinVar aggregate classification (germline): Likely pathogenic (1 of 4 stars; one submission).

Conditions:
Imerslund-Grasbeck syndrome type 2. Also called: Megaloblastic anemia 1, Norwegian type; MEGALOBLASTIC ANEMIA, NORWEGIAN TYPE; Imerslund-Gräsbeck syndrome 2. Identifiers: MedGen C4016948, MONDO:0100157, OMIM 618882.

Submission:

First Genomix Gene Laboratory, Genetic Diagnostics Department
Classification: Likely pathogenic for Imerslund-Grasbeck syndrome type 2. Last evaluated: 2025-05-20. Review status: criteria provided, single submitter. Criteria: ACMG Guidelines, 2015. Collection method: clinical testing. Allele origin: germline. Inheritance: Autosomal recessive inheritance. Affected: no. Observed: 1 variant allele.

NM_030943.4(AMN):c.295+1G>A

Gene: AMN (amnion associated transmembrane protein; plus strand). Cytogenetic location: 14q32.32.
Variant type: single nucleotide variant.
Coding change: c.295+1G>A on transcript NM_030943.4 (MANE Select); the canonical splice donor site of the intron after coding-DNA position 295, G replaced by A.
Molecular consequence: splice donor variant.
Genome position (GRCh38, 1-based): chr14:102,928,514, G>A. VCF-style: chr14-102928514-G-A. GRCh37 (hg19) VCF-style: chr14-103394851-G-A.
Other names: c.133+1G>A (NM_001425246.1).
Identifiers: ClinVar variation 4845923 (VCV004845923.1).